The following is an entry in ClinVar:

ClinVar aggregate classification (germline): Likely benign. Review status: criteria provided, multiple submitters, no conflicts (2 of 4 stars). 2 submissions from 2 submitters: Likely benign (2). Last evaluated 2025-05-18.

Conditions:
Developmental and epileptic encephalopathy, 2 (DEE2). Also called: CDKL5 deficiency disorder; INFANTILE SPASM SYNDROME, X-LINKED 2. Identifiers: Orphanet 1934, Orphanet 3451, Orphanet 505652, MedGen C4750718, MONDO:0010396, OMIM 300672.
Angelman syndrome-like. Identifiers: MedGen CN128785.
CDKL5-related disorder.

Allele frequency attached by ClinVar (database versions not stated): gnomAD 0.00002; TOPMed 0.00003.
gnomAD v4.1: 2 of 1,208,756 alleles (0.00017%); highest among the groups gnomAD compares: Admixed American, 0.0022%; no homozygotes.

Submissions (2):

PreventionGenetics, part of Exact Sciences
Classification: Likely benign for CDKL5-related condition. Last evaluated: 2025-05-18. Review status: criteria provided, single submitter. Criteria: ACMG Guidelines, 2015. Collection method: clinical testing. Allele origin: germline.
Comment: This variant is classified as likely benign based on ACMG/AMP sequence variant interpretation guidelines (Richards et al. 2015 PMID: 25741868, with internal and published modifications).

Labcorp Genetics (formerly Invitae), Labcorp
Classification: Likely benign for Developmental and epileptic encephalopathy, 2; Angelman syndrome-like. Last evaluated: 2023-07-17. Review status: criteria provided, single submitter. Criteria: Invitae Variant Classification Sherloc (09022015). Collection method: clinical testing. Allele origin: germline.

NM_001323289.2(CDKL5):c.621A>T (p.Gly207=)

Gene: CDKL5 (cyclin dependent kinase like 5; plus strand). Cytogenetic location: Xp22.13.
Variant type: single nucleotide variant.
Coding change: c.621A>T on transcript NM_001323289.2 (MANE Select); coding-DNA position 621, A replaced by T.
Protein change: p.Gly207=; no amino-acid change (glycine 207 retained).
Molecular consequence: synonymous variant.
Genome position (GRCh38, 1-based): chrX:18,588,020, A>T. VCF-style: chrX-18588020-A-T. GRCh37 (hg19) VCF-style: chrX-18606140-A-T.
Other names: c.621A>T (NM_003159.2); c.621A>T, p.Gly207= (NM_001037343.2, NM_003159.3).
Identifiers: ClinVar variation 1908038 (VCV001908038.6), dbSNP rs1424941855, ClinGen allele CA515470316.
Genomic context (GRCh38, chrX:18,588,020, plus strand): 5'-CTATGGAAAGTCCGTGGACATGTGGTCGGTGGGCTGTATTCTTGGGGAGCTTAGCGATGG[A>T]CAGCCTTTATTTCCTGGAGAAAGTGAAATTGACCAACTTTTTACTATTCAGAAGGTGCTA-3'
Protein context (NP_001310218.1, residues 197-217): VGCILGELSD[Gly207=]QPLFPGESEI